The following is an entry in ClinVar:

ClinVar aggregate classification (germline): Uncertain significance. Review status: criteria provided, multiple submitters, no conflicts (2 of 4 stars). 3 submissions from 3 submitters: Uncertain significance (3). Last evaluated 2023-07-17.

Allele frequency attached by ClinVar (database versions not stated): gnomAD exomes below 0.00001; ExAC 0.00001; TOPMed 0.00001; gnomAD 0.00002; 1000 Genomes Project 30x 0.00016; 1000 Genomes Project 0.00020.
gnomAD v4.1: 10 of 1,591,830 alleles (0.00063%); highest among the groups gnomAD compares: Admixed American, 0.011%; no homozygotes.

Submissions (3):

Labcorp Genetics (formerly Invitae), Labcorp
Classification: Uncertain significance. Last evaluated: 2023-07-17. Review status: criteria provided, single submitter. Criteria: Invitae Variant Classification Sherloc (09022015). Collection method: clinical testing. Allele origin: germline.
Comment: ClinVar contains an entry for this variant (Variation ID: 2500649). In summary, the available evidence is currently insufficient to determine the role of this variant in disease. Therefore, it has been classified as a Variant of Uncertain Significance. Advanced modeling of protein sequence and biophysical properties (such as structural, functional, and spatial information, amino acid conservation, physicochemical variation, residue mobility, and thermodynamic stability) performed at Invitae indicates that this missense variant is expected to disrupt NALCN protein function. This variant has not been reported in the literature in individuals affected with NALCN-related conditions. The frequency data for this variant in the population databases is considered unreliable, as metrics indicate poor data quality at this position in the gnomAD database. This sequence change replaces arginine, which is basic and polar, with tryptophan, which is neutral and slightly polar, at codon 484 of the NALCN protein (p.Arg484Trp).

GeneDx
Classification: Uncertain significance. Last evaluated: 2022-10-26. Review status: criteria provided, single submitter. Criteria: GeneDx Variant Classification Process June 2021. Collection method: clinical testing. Allele origin: germline. Affected: yes.
Comment: In silico analysis supports that this missense variant has a deleterious effect on protein structure/function; Has not been previously published as pathogenic or benign to our knowledge

Blueprint Genetics
Classification: Uncertain significance. Last evaluated: 2021-03-15. Review status: criteria provided, single submitter. Criteria: ACMG Guidelines, 2015. Collection method: clinical testing. Allele origin: germline.

NM_052867.4(NALCN):c.1450C>T (p.Arg484Trp)

Gene: NALCN (sodium leak channel, non-selective; minus strand). Cytogenetic location: 13q33.1.
Variant type: single nucleotide variant.
Coding change: c.1450C>T on transcript NM_052867.4 (MANE Select); coding-DNA position 1450, C replaced by T.
Protein change: p.Arg484Trp; replaces arginine 484 with tryptophan.
Molecular consequence: missense variant.
Genome position (GRCh38, 1-based): chr13:101,229,569, G>A on the plus strand (C>T on the coding strand, the complement: NALCN is on the minus strand). VCF-style: chr13-101229569-G-A. GRCh37 (hg19) VCF-style: chr13-101881920-G-A.
Other names: c.1450C>T, p.Arg484Trp (NM_001350748.2, NM_001350749.2); c.1363C>T, p.Arg455Trp (NM_001350750.2, NM_001350751.2); short protein forms R455W, R484W.
Identifiers: ClinVar variation 2500649 (VCV002500649.5), dbSNP rs537462813, ClinGen allele CA7036199.
Genomic context (GRCh38, chr13:101,229,569, plus strand): 5'-TTCCAGGACCAAATATCTTGTACACAAAGTCTTCTAATGCAGGTGAAATCTTAATCAGCC[G>A]AACTACTCGGAGAACCTATCAAGGGAGAGAGAAACATTTATTTACACATATGATCATTTA-3'
Protein context (NP_443099.1, residues 474-494): FTYFQVLRVV[Arg484Trp]LIKISPALED